The following is an entry in ClinVar:

ClinVar aggregate classification (germline): Uncertain significance. Review status: criteria provided, multiple submitters, no conflicts (2 of 4 stars). 2 submissions from 2 submitters: Uncertain significance (2). Last evaluated 2025-04-06.

Conditions:
Inborn genetic diseases. Identifiers: MedGen C0950123, MeSH D030342.

Allele frequency attached by ClinVar (database versions not stated): gnomAD exomes below 0.00001; TOPMed 0.00001.
gnomAD v4.1: 4 of 1,613,896 alleles (0.00025%); highest among the groups gnomAD compares: Non-Finnish European, 0.00034%; no homozygotes.

Submissions (2):

Ambry Genetics
Classification: Uncertain significance for Inborn genetic diseases. Last evaluated: 2025-04-06. Review status: criteria provided, single submitter. Criteria: Ambry Variant Classification Scheme 2023. Collection method: clinical testing. Allele origin: germline.

Labcorp Genetics (formerly Invitae), Labcorp
Classification: Uncertain significance. Last evaluated: 2022-08-10. Review status: criteria provided, single submitter. Criteria: Invitae Variant Classification Sherloc (09022015). Collection method: clinical testing. Allele origin: germline.
Comment: In summary, the available evidence is currently insufficient to determine the role of this variant in disease. Therefore, it has been classified as a Variant of Uncertain Significance. Algorithms developed to predict the effect of missense changes on protein structure and function are either unavailable or do not agree on the potential impact of this missense change (SIFT: "Not Available"; PolyPhen-2: "Benign"; Align-GVGD: "Not Available"). This variant has not been reported in the literature in individuals affected with ADSSL1-related conditions. This variant is not present in population databases (gnomAD no frequency). This sequence change replaces glutamine, which is neutral and polar, with leucine, which is neutral and non-polar, at codon 194 of the ADSSL1 protein (p.Gln194Leu).

NM_152328.5(ADSS1):c.452A>T (p.Gln151Leu)

Gene: ADSS1 (adenylosuccinate synthase 1; plus strand). Cytogenetic location: 14q32.33.
Variant type: single nucleotide variant.
Coding change: c.452A>T on transcript NM_152328.5 (MANE Select); coding-DNA position 452, A replaced by T.
Protein change: p.Gln151Leu; replaces glutamine 151 with leucine.
Molecular consequence: missense variant. On other transcripts: 5 prime UTR variant (1).
Genome position (GRCh38, 1-based): chr14:104,739,792, A>T. VCF-style: chr14-104739792-A-T. GRCh37 (hg19) VCF-style: chr14-105206129-A-T.
Other names: c.-164A>T (NM_001320424.1); c.581A>T, p.Gln194Leu (NM_199165.2); c.581A>T (NM_199165.1); short protein forms Q194L, Q151L.
Identifiers: ClinVar variation 1930502 (VCV001930502.4), dbSNP rs1891270368, ClinGen allele CA391238799.
Genomic context (GRCh38, chr14:104,739,792, plus strand): 5'-ACCTGGCCCGCCCGACAGTGTTTGATTTTCACCAGGCTGTCGACGGACTTCAGGAAGTGC[A>T]GCGCCAGGCACAAGAGGGGAAGAAGTAAGTCTGCCGGGACACTCTCACCCTCGGGGAGTC-3'
Protein context (NP_689541.1, residues 141-161): HQAVDGLQEV[Gln151Leu]RQAQEGKNIG